The following is an entry in ClinVar:

NM_000038.6(APC):c.3902C>A (p.Thr1301Asn)

Gene: APC (APC regulator of Wnt signaling pathway; plus strand). Cytogenetic location: 5q22.2.
Variant type: single nucleotide variant.
Coding change: c.3902C>A on transcript NM_000038.6 (MANE Select); coding-DNA position 3902, C replaced by A.
Protein change: p.Thr1301Asn; replaces threonine 1301 with asparagine.
Molecular consequence: missense variant.
Genome position (GRCh38, 1-based): chr5:112,839,496, C>A. VCF-style: chr5-112839496-C-A. GRCh37 (hg19) VCF-style: chr5-112175193-C-A.
Other names: c.3902C>A, p.Thr1301Asn (NM_001127510.3, NM_001354895.2); c.3848C>A, p.Thr1283Asn (NM_001127511.3); c.3956C>A, p.Thr1319Asn (NM_001354896.2); c.3932C>A, p.Thr1311Asn (NM_001354897.2); c.3827C>A, p.Thr1276Asn (NM_001354898.2); c.3818C>A, p.Thr1273Asn (NM_001354899.2); c.3779C>A, p.Thr1260Asn (NM_001354900.2); c.3725C>A, p.Thr1242Asn (NM_001354901.2); and 6 more; short protein forms T1018N, T1242N, T1301N, T1175N, T1276N, T1141N, T1260N, T1273N.
Identifiers: ClinVar variation 1476958 (VCV001476958.8), dbSNP rs781535021, ClinGen allele CA036963.
Genomic context (GRCh38, chr5:112,839,496, plus strand): 5'-CATCAGCTGAAGATGAAATAGGATGTAATCAGACGACACAGGAAGCAGATTCTGCTAATA[C>A]CCTGCAAATAGCAGAAATAAAAGAAAAGATTGGAACTAGGTCAGCTGAAGATCCTGTGAG-3'
Protein context (NP_000029.2, residues 1291-1311): QTTQEADSAN[Thr1301Asn]LQIAEIKEKI

ClinVar aggregate classification (germline): Uncertain significance. Review status: criteria provided, multiple submitters, no conflicts (2 of 4 stars). 3 submissions from 3 submitters: Uncertain significance (3). Last evaluated 2026-02-06.

Conditions:
Hereditary cancer-predisposing syndrome. Also called: Neoplastic Syndromes, Hereditary; Tumor predisposition; Hereditary Cancer Syndrome; Hereditary neoplastic syndrome. Identifiers: Orphanet 140162, MedGen C0027672, MeSH D009386, MONDO:0015356.
Classic or attenuated familial adenomatous polyposis. Identifiers: MedGen CN372698, MONDO:0021057.
Familial adenomatous polyposis 1 (FAP1). Also called: POLYPOSIS, ADENOMATOUS INTESTINAL; FAMILIAL ADENOMATOUS POLYPOSIS 1, ATTENUATED. Identifiers: MedGen C2713442, MONDO:0021056, OMIM 175100. Disease mechanism: loss of function.

Allele frequency attached by ClinVar (database versions not stated): ExAC 0.00001.
gnomAD v4.1: 1 of 1,614,150 alleles (0.000062%); highest among the groups gnomAD compares: Non-Finnish European, 0.000085%; no homozygotes.

Submissions (3):

Ambry Genetics
Classification: Uncertain significance for Hereditary cancer-predisposing syndrome. Last evaluated: 2026-02-06. Review status: criteria provided, single submitter. Criteria: Ambry Variant Classification Scheme 2023. Collection method: clinical testing. Allele origin: germline.
Comment: The p.T1301N variant (also known as c.3902C>A), located in coding exon 15 of the APC gene, results from a C to A substitution at nucleotide position 3902. The threonine at codon 1301 is replaced by asparagine, an amino acid with similar properties. This amino acid position is well conserved in available vertebrate species. In addition, in silico predictors for this gene do not accurately predict pathogenicity. Missense variants in APC are not a common cause of disease (Spier I et al. Genet Med. 2024 Feb;26(2):100992). Based on the available evidence, the clinical significance of this variant remains unclear.

All of Us Research Program, National Institutes of Health
Classification: Uncertain significance for Classic or attenuated familial adenomatous polyposis. Last evaluated: 2023-08-15. Review status: criteria provided, single submitter. Criteria: ACMG Guidelines, 2015. Collection method: clinical testing. Allele origin: germline. Inheritance: Autosomal dominant inheritance. Observed: 1 variant allele, 1 heterozygote.
Comment: This study involves interpretation of variants in research participants for the purpose of population health screening. Participant phenotype was not available at the time of variant classification. Additional details can be found in publication PMID: 35346344, PMCID: PMC8962531

Labcorp Genetics (formerly Invitae), Labcorp
Classification: Uncertain significance for Familial adenomatous polyposis 1. Last evaluated: 2022-12-06. Review status: criteria provided, single submitter. Criteria: Invitae Variant Classification Sherloc (09022015). Collection method: clinical testing. Allele origin: germline.
Comment: This sequence change replaces threonine, which is neutral and polar, with asparagine, which is neutral and polar, at codon 1301 of the APC protein (p.Thr1301Asn). This variant is present in population databases (rs781535021, gnomAD 0.0009%). This variant has not been reported in the literature in individuals affected with APC-related conditions. ClinVar contains an entry for this variant (Variation ID: 1476958). Advanced modeling of protein sequence and biophysical properties (such as structural, functional, and spatial information, amino acid conservation, physicochemical variation, residue mobility, and thermodynamic stability) performed at Invitae indicates that this missense variant is not expected to disrupt APC protein function. In summary, the available evidence is currently insufficient to determine the role of this variant in disease. Therefore, it has been classified as a Variant of Uncertain Significance.